The following is an entry in ClinVar:

ClinVar aggregate classification (germline): Pathogenic/Likely pathogenic. Review status: criteria provided, multiple submitters, no conflicts (2 of 4 stars). 6 submissions from 6 submitters: Pathogenic (5); Likely pathogenic (1). Last evaluated 2026-07-08.

Conditions:
Trimethylaminuria (TMAU). Also called: FISH-ODOR SYNDROME; Fish malodor syndrome; Stale fish syndrome; TMAuria; Primary Trimethylaminuria. Identifiers: MedGen C0342739, MONDO:0011182, OMIM 602079, HP:0003614. Disease mechanism: loss of function.
FMO3-related disorders.
FMO3-related disorder. Also called: FMO3-related condition.

Submissions (6):

PreventionGenetics, part of Exact Sciences
Classification: Pathogenic for FMO3-related condition. Last evaluated: 2026-07-08. Review status: criteria provided, single submitter. Criteria: ACMG Guidelines, 2015. Collection method: clinical testing. Allele origin: germline.
Comment: The FMO3 c.1139_1140delCC variant is predicted to result in a frameshift and premature protein termination (p.Pro380Hisfs*3). This variant has been reported in the heterozygous state or with a second FMO3 variant in multiple individuals with trimethylaminuria (Alibrandi et al. 2021. PubMed ID: 34834137). Moreover, this variant has been reported in the homozygous state or with a second FMO3 variant in multiple individuals undergoing trimethylaminuria testing (internal data, PreventionGenetics). This variant is reported in 0.049% of alleles in individuals of South Asian descent in gnomAD. Frameshift variants in FMO3 are expected to be pathogenic. This variant is interpreted as pathogenic.

Labcorp Genetics (formerly Invitae), Labcorp
Classification: Pathogenic. Last evaluated: 2026-01-13. Review status: criteria provided, single submitter. Criteria: Invitae Variant Classification Sherloc (09022015). Collection method: clinical testing. Allele origin: germline.
Comment: This sequence change creates a premature translational stop signal (p.Pro380Hisfs*3) in the FMO3 gene. It is expected to result in an absent or disrupted protein product. Loss-of-function variants in FMO3 are known to be pathogenic (PMID: 20301282). This variant is present in population databases (rs775064534, gnomAD 0.05%). This premature translational stop signal has been observed in individual(s) with trimethylaminuria (PMID: 34834137). ClinVar contains an entry for this variant (Variation ID: 2961405). Algorithms developed to predict the effect of sequence changes on RNA splicing suggest that this variant may disrupt the consensus splice site. For these reasons, this variant has been classified as Pathogenic.

Women's Health and Genetics/Laboratory Corporation of America, LabCorp
Classification: Pathogenic for Trimethylaminuria. Last evaluated: 2025-09-30. Review status: criteria provided, single submitter. Criteria: LabCorp Variant Classification Summary - May 2015. Collection method: clinical testing. Allele origin: germline.
Comment: Variant summary: FMO3 c.1139_1140delCC (p.Pro380HisfsX3) results in a premature termination codon, predicted to cause a truncation of the encoded protein or absence of the protein due to nonsense mediated decay, which are commonly known mechanisms for disease. The variant allele was found at a frequency of 0.00011 in 247174 control chromosomes. This frequency is not significantly higher than estimated for disease-causing variants in FMO3, allowing no conclusion about variant significance. c.1139_1140delCC has been observed in individual(s) affected with Trimethylaminuria (Alibrandi_2021). These report(s) do not provide unequivocal conclusions about association of the variant with Trimethylaminuria. The following publication have been ascertained in the context of this evaluation (PMID: 34834137). ClinVar contains an entry for this variant (Variation ID: 2961405). Based on the evidence outlined above, the variant was classified as pathogenic.

Blueprint Genetics
Classification: Pathogenic for FMO3-related disorders. Last evaluated: 2024-07-30. Review status: criteria provided, single submitter. Criteria: ACMG Guidelines, 2015. Collection method: clinical testing. Allele origin: germline. Affected: yes. Observed: 5 variant alleles.

Fulgent Genetics
Classification: Likely pathogenic for Trimethylaminuria. Last evaluated: 2024-05-07. Review status: criteria provided, single submitter. Criteria: ACMG Guidelines, 2015. Collection method: clinical testing. Allele origin: germline.

Kariminejad - Najmabadi Pathology & Genetics Center
Classification: Pathogenic for Trimethylaminuria. Review status: criteria provided, single submitter. Criteria: ACMG Guidelines, 2015. Collection method: clinical testing. Allele origin: germline. Affected: no.

Literature cited by the submitters: PubMed 20301282 (cited by Labcorp Genetics (formerly Invitae), Labcorp); PubMed 34834137 (cited by Labcorp Genetics (formerly Invitae), Labcorp and Women's Health and Genetics/Laboratory Corporation of America, LabCorp).

NM_001002294.3(FMO3):c.1139_1140del (p.Pro380fs)

Gene: FMO3 (flavin containing dimethylaniline monoxygenase 3; plus strand). Cytogenetic location: 1q24.3.
Variant type: Deletion.
Coding change: c.1139_1140del on transcript NM_001002294.3 (MANE Select); coding-DNA positions 1139 to 1140, 2 bases deleted (CC; older notation c.1139_1140delCC).
Protein change: p.Pro380fs; shifts the reading frame from proline 380.
Molecular consequence: frameshift variant.
Genome position (GRCh38, 1-based): chr1:171,114,318-171,114,319, CC deleted; deleting any 2 consecutive bases within chr1:171,114,317-171,114,319 gives the same sequence; the c. name uses the placement nearest the transcript's 3' end. VCF-style (leftmost placement, unchanged base first): chr1-171114316-TCC-T. GRCh37 (hg19) VCF-style: chr1-171083456-TCC-T.
Other names: c.1139_1140delCC (NM_001002294.3); c.1079_1080del, p.Pro360fs (NM_001319173.2); c.950_951del, p.Pro317fs (NM_001319174.2); c.1139_1140del, p.Pro380fs (NM_006894.6); short protein forms P317fs, P360fs, P380fs.
Identifiers: ClinVar variation 2961405 (VCV002961405.8), dbSNP rs775064534, ClinGen allele CA1240734.